The following is an entry in ClinVar:

NM_000492.4(CFTR):c.2761G>T (p.Gly921Ter)

Gene: CFTR (CF transmembrane conductance regulator; plus strand). Cytogenetic location: 7q31.2.
Variant type: single nucleotide variant.
Coding change: c.2761G>T on transcript NM_000492.4 (MANE Select); coding-DNA position 2761, G replaced by T.
Protein change: p.Gly921Ter; replaces glycine 921 with a stop codon.
Molecular consequence: nonsense.
Genome position (GRCh38, 1-based): chr7:117,603,635, G>T. VCF-style: chr7-117603635-G-T. GRCh37 (hg19) VCF-style: chr7-117243689-G-T.
Other names: short protein forms G921*.
Identifiers: ClinVar variation 4818516 (VCV004818516.1).

ClinVar aggregate classification (germline): Likely pathogenic (1 of 4 stars; one submission).

Conditions:
CFTR-related disorder (CFTR-RD). Also called: CFTR-related disorders; CFTR-related condition. Identifiers: MedGen C5924204, MONDO:7770004.

Submission:

Natera, Inc.
Classification: Likely pathogenic for CFTR-related disorders. Last evaluated: 2024-03-13. Review status: criteria provided, single submitter. Criteria: Natera Variant Classification Schema (03/2026). Collection method: clinical testing. Allele origin: germline.
Comment: The c.2761G>T variant in CFTR is a nonsense variant predicted to introduce a stop codon at amino acid 921. This variant is expected to result in nonsense mediated decay, truncation, or a dysfunctional protein product. This variant is rare in the general population with a frequency below the threshold expected for the associated phenotype(s). Given the available evidence, this variant is classified as Likely Pathogenic.